The following is an entry in ClinVar:

NM_001366110.1(PAX4):c.771G>A (p.Gln257=)

Gene: PAX4 (paired box 4; minus strand). Cytogenetic location: 7q32.1.
Variant type: single nucleotide variant.
Coding change: c.771G>A on transcript NM_001366110.1 (MANE Select); coding-DNA position 771, G replaced by A.
Protein change: p.Gln257=; no amino-acid change (glutamine 257 retained).
Molecular consequence: synonymous variant.
Genome position (GRCh38, 1-based): chr7:127,611,945, C>T on the plus strand (G>A on the coding strand, the complement: PAX4 is on the minus strand). VCF-style: chr7-127611945-C-T. GRCh37 (hg19) VCF-style: chr7-127251999-C-T.
Other names: c.771G>A, p.Gln257= (NM_001366111.1).
Identifiers: ClinVar variation 4748700 (VCV004748700.1).
Genomic context (GRCh38, chr7:127,611,945, plus strand): 5'-GAAGAGCCCATGAGCCCTTCAGTCTTCCCAGGGCACAGACTCCCCTCTCCTCCCGAGTAC[C>T]TGTGCAGAGATGATTCCTGGGGCAACCCTTGGTACAGTCAGCCCCTGGGAAGCACCTATA-3'
Protein context (NP_001353039.1, residues 247-267): PRVAPGIISA[Gln257=]QSPGSVPTAA

ClinVar aggregate classification (germline): Uncertain significance (1 of 4 stars; one submission).

gnomAD v4.1: 7 of 1,614,140 alleles (0.00043%); highest among the groups gnomAD compares: Admixed American, 0.012%; 1 homozygote.

Submission:

Labcorp Genetics (formerly Invitae), Labcorp
Classification: Uncertain significance. Last evaluated: 2025-11-27. Review status: criteria provided, single submitter. Criteria: Invitae Variant Classification Sherloc (09022015). Collection method: clinical testing. Allele origin: germline.
Comment: This sequence change affects codon 249 of the PAX4 mRNA. It is a 'silent' change, meaning that it does not change the encoded amino acid sequence of the PAX4 protein. This variant also falls at the last nucleotide of exon 7, which is part of the consensus splice site for this exon. This variant is present in population databases (rs746285934, gnomAD 0.02%). This variant has not been reported in the literature in individuals affected with PAX4-related conditions. Variants that disrupt the consensus splice site are a relatively common cause of aberrant splicing (PMID: 17576681, 9536098). Algorithms developed to predict the effect of sequence changes on RNA splicing suggest that this variant may disrupt the consensus splice site. In summary, the available evidence is currently insufficient to determine the role of this variant in disease. Therefore, it has been classified as a Variant of Uncertain Significance.

Literature cited by the submitters: PubMed 17576681; PubMed 9536098.